The following is an entry in ClinVar:

NM_153240.5(NPHP3):c.3570+5G>A

Genes: NPHP3 (nephrocystin 3; minus strand), NPHP3-ACAD11 (NPHP3-ACAD11 readthrough (NMD candidate); minus strand). Cytogenetic location: 3q22.1.
Variant type: single nucleotide variant.
Coding change: c.3570+5G>A on transcript NM_153240.5 (MANE Select); 5 bases into the intron after coding-DNA position 3570, G replaced by A.
Molecular consequence: intron variant.
Genome position (GRCh38, 1-based): chr3:132,684,549, C>T on the plus strand (G>A on the coding strand, the complement: NPHP3 is on the minus strand). VCF-style: chr3-132684549-C-T. GRCh37 (hg19) VCF-style: chr3-132403393-C-T.
Identifiers: ClinVar variation 3588517 (VCV003588517.3).

ClinVar aggregate classification (germline): Conflicting classifications of pathogenicity. Review status: criteria provided, conflicting classifications (1 of 4 stars). 3 submissions from 3 submitters: Likely pathogenic (2); Uncertain significance (1). Last evaluated 2026-08-18.

Conditions:
Nephronophthisis 3 (NPHP3). Also called: Adolescent nephronophthisis. Identifiers: Orphanet 655, MedGen C1858392, MONDO:0011456, OMIM 604387.
NPHP3-related Meckel-like syndrome. Also called: GOLDSTON SYNDROME; Meckel syndrome type 7. Identifiers: Orphanet 3032, MedGen C2673885, MONDO:0009966, OMIM 267010.
Renal-hepatic-pancreatic dysplasia 1 (RHPD1). Identifiers: MedGen C3715199, MONDO:0008833, OMIM 208540.
Retinal disorder. Also called: Retinopathy; Retinopathies; Retinal Diseases; Retinal disorders. Identifiers: MedGen C0035309, MONDO:0005283, HP:0000488.
Congenital anomaly of kidney and urinary tract. Also called: Congenital anomalies of kidney and urinary tract; Congenital anomalies of the kidney and urinary tract. Identifiers: Orphanet 93545, MedGen C1968949, MeSH C566906, MONDO:0019719.

gnomAD v4.1: 34 of 1,613,728 alleles (0.0021%); highest among the groups gnomAD compares: Non-Finnish European, 0.0029%; no homozygotes.

Submissions (3):

Genetics Laboratory, Great Ormond Street Hospital NHS Foundation Trust, North Thames Genomic Laboratory Hub
Classification: Likely pathogenic for Retinal disorders. Last evaluated: 2026-08-18. Review status: criteria provided, single submitter. Criteria: ACGS Best Practice Guidelines for Variant Classification in Rare Disease 2024 v1.2. Collection method: clinical testing. Allele origin: germline. Affected: yes.
Comment: PM2_moderate, PM3_strong

Fulgent Genetics
Classification: Uncertain significance for Renal-hepatic-pancreatic dysplasia 1; NPHP3-related Meckel-like syndrome; Nephronophthisis 3. Last evaluated: 2023-12-29. Review status: criteria provided, single submitter. Criteria: ACMG Guidelines, 2015. Collection method: clinical testing. Allele origin: germline.

Cambridge Genomics Laboratory, East Genomic Laboratory Hub, NHS Genomic Medicine Service
Classification: Likely pathogenic for Congenital anomaly of kidney and urinary tract. Last evaluated: 2019-09-03. Review status: criteria provided, single submitter. Criteria: ACGS Best Practice Guidelines for Variant Classification in Rare Disease 2020. Collection method: clinical testing. Allele origin: germline. Affected: yes. Observed: 1 variant allele.